The following is an entry in ClinVar:

NM_012431.3(SEMA3E):c.115+9C>G

Gene: SEMA3E (semaphorin 3E; minus strand). Cytogenetic location: 7q21.11.
Variant type: single nucleotide variant.
Coding change: c.115+9C>G on transcript NM_012431.3 (MANE Select); 9 bases into the intron after coding-DNA position 115, C replaced by G.
Molecular consequence: intron variant.
Genome position (GRCh38, 1-based): chr7:83,648,419, G>C on the plus strand (C>G on the coding strand, the complement: SEMA3E is on the minus strand). VCF-style: chr7-83648419-G-C. GRCh37 (hg19) VCF-style: chr7-83277735-G-C.
Identifiers: ClinVar variation 3351278 (VCV003351278.3).

ClinVar aggregate classification (germline): Likely benign. Review status: criteria provided, single submitter (1 of 4 stars). 2 submissions from 2 submitters: Likely benign (1). 1 of the submissions does not count toward it. Last evaluated 2025-07-29.

Conditions:
SEMA3E-related disorder. Also called: SEMA3E-related condition.
CHARGE syndrome (CHARGE). Also called: Hittner Hirsch Kreh syndrome; CHARGE ASSOCIATION--COLOBOMA, HEART ANOMALY, CHOANAL ATRESIA, RETARDATION, GENITAL AND EAR ANOMALIES; Coloboma, heart anomaly, choanal atresia, retardation, genital and ear anomalies; CHARGE association; Hall-Hittner syndrome. Identifiers: Orphanet 138, MedGen C0265354, MONDO:0008965.

gnomAD v4.1: 4 of 1,524,828 alleles (0.00026%); highest among the groups gnomAD compares: African/African-American, 0.0014%; no homozygotes.

Submissions (2):

Labcorp Genetics (formerly Invitae), Labcorp
Classification: Likely benign for CHARGE syndrome. Last evaluated: 2025-07-29. Review status: criteria provided, single submitter. Criteria: Invitae Variant Classification Sherloc (09022015). Collection method: clinical testing. Allele origin: germline.

PreventionGenetics, part of Exact Sciences
Classification: Likely benign for SEMA3E-related condition. Last evaluated: 2022-05-02. Review status: no assertion criteria provided. Collection method: clinical testing. Allele origin: germline. Not counted in ClinVar's aggregate classification.
Comment: This variant is classified as likely benign based on ACMG/AMP sequence variant interpretation guidelines (Richards et al. 2015 PMID: 25741868, with internal and published modifications).